The following continues an entry in ClinVar:

NM_000038.6(APC):c.4612_4613del (p.Glu1538fs)

Gene: APC. ClinVar aggregate classification (germline): Pathogenic. Pathogenic (9). ClinVar aggregate classification (oncogenicity): Likely oncogenic.

Submissions 9 to 11 of 11:

Center for Genomics, Ann and Robert H. Lurie Children's Hospital of Chicago
Classification: Pathogenic for Colorectal cancer; Familial adenomatous polyposis 1; Desmoid disease, hereditary; Hepatocellular carcinoma; Gastric cancer; Gastric adenocarcinoma and proximal polyposis of the stomach. Review status: criteria provided, single submitter. Criteria: ACMG Guidelines, 2015. Collection method: clinical testing. Allele origin: germline.
Comment: APC NM_000038.5 exon 15 p.Glu1538Ilefsx5 (c.4612_4613del): This variant has been reported in the literature in at least 8 individuals with Familial Adenomatous Polyposis (FAP) (Gayther 1994 PMID:8162051, Friedl 2005 PMID:20223039, Jang 2010 PMID:20513532, Lagarde 2010 PMID:20685668, Jarry 2011 PMID:21779980, Rohlin 2011 PMID:21643010, Schwarzova 2013 PMID:22987206). This variant is not present in large control databases. This variant is present in ClinVar (Variation ID:823). Evolutionary conservation and computational predictive tools for this variant are limited or unavailable. This variant is a deletion of two nucleotides and creates a premature stop codon 5 amino acids downstream from this location which results in an absent or abnormal protein. Loss of function variants are a known mechanism of disease for this gene (Zhang 2017 PMID:28423402). Of note, this variant occurs within the last exon of this gene; due to its position, it is possible that this protein may escape nonsense mediated decay. However this variant is predicted to affect approximately 45% of the protein and other variants downstream have been reported as Pathogenic. Furthermore, evidence in the literature suggests that variants cluster in this region (Gayther 1994 PMID:8162051). In summary, this variant is classified as pathogenic based on the data above.

Juno Genomics, Hangzhou Juno Genomics, Inc
Classification: Pathogenic for Familial adenomatous polyposis 1. Review status: criteria provided, single submitter. Criteria: ACMG Guidelines, 2015. Collection method: clinical testing. Allele origin: germline. Affected: yes.
Comment: Absent from controls (or at extremely low frequency if recessive) in Genome Aggregation Database, Exome Sequencing Project, 1000 Genomes Project, or Exome Aggregation Consortium.;Null variant in a gene where loss of function (LOF) is a known mechanism of disease.;The prevalence of the variant in affected individuals is significantly increased compared to the prevalence in controls.;Co-segregation with disease in multiple affected family members in a gene definitively known to cause the disease.

OMIM
Classification: Pathogenic for GARDNER SYNDROME. Last evaluated: 1997-01-01. Review status: no assertion criteria provided. Collection method: literature only. Allele origin: germline. Not counted in ClinVar's aggregate classification.

Literature cited by the submitters: PubMed 34352208 (cited by Center for Genomic Medicine, Rigshospitalet, Copenhagen University Hospital); PubMed 8162051 (cited by 3 submitters); PubMed 8594558 (cited by Labcorp Genetics (formerly Invitae), Labcorp); PubMed 20223039 (cited by 3 submitters); PubMed 20513532 (cited by 3 submitters); PubMed 20685668 (cited by Labcorp Genetics (formerly Invitae), Labcorp and Laboratory for Molecular Medicine, Mass General Brigham Personalized Medicine); PubMed 21643010 (cited by Labcorp Genetics (formerly Invitae), Labcorp and Laboratory for Molecular Medicine, Mass General Brigham Personalized Medicine); PubMed 21779980 (cited by Labcorp Genetics (formerly Invitae), Labcorp and Laboratory for Molecular Medicine, Mass General Brigham Personalized Medicine); PubMed 22987206 (cited by Labcorp Genetics (formerly Invitae), Labcorp and Laboratory for Molecular Medicine, Mass General Brigham Personalized Medicine); PubMed 15311282 (cited by Labcorp Genetics (formerly Invitae), Labcorp and Laboratory for Molecular Medicine, Mass General Brigham Personalized Medicine); PubMed 17293347 (cited by Labcorp Genetics (formerly Invitae), Labcorp and Laboratory for Molecular Medicine, Mass General Brigham Personalized Medicine); PubMed 9824584 (cited by Labcorp Genetics (formerly Invitae), Labcorp); PubMed 1316610 (cited by Labcorp Genetics (formerly Invitae), Labcorp); PubMed 27081525 (cited by Labcorp Genetics (formerly Invitae), Labcorp); PubMed 8381579 (cited by Labcorp Genetics (formerly Invitae), Labcorp); PubMed 22135120 (cited by Labcorp Genetics (formerly Invitae), Labcorp); PubMed 9375853 (cited by 3 submitters); PubMed 15024739 (cited by Ambry Genetics); PubMed 7485167 (cited by OMIM).